The following is an entry in ClinVar:

NC_000023.11:g.(?_40070953)_(40077949_?)dup

Gene: BCOR (BCL6 corepressor; minus strand). Cytogenetic location: Xp11.4.
Variant type: Duplication.
Identifiers: ClinVar variation 833394 (VCV000833394.7).

ClinVar aggregate classification (germline): Pathogenic (1 of 4 stars; one submission).

Conditions:
Oculofaciocardiodental syndrome (MCOPS2). Identifiers: Orphanet 2712, MedGen C1846265, MONDO:0010261, OMIM 300166.

Submission:

Labcorp Genetics (formerly Invitae), Labcorp
Classification: Pathogenic for Oculofaciocardiodental syndrome. Last evaluated: 2019-04-30. Review status: criteria provided, single submitter. Criteria: Invitae Variant Classification Sherloc (09022015). Collection method: clinical testing. Allele origin: germline.
Comment: For these reasons, this variant has been classified as Pathogenic. This variant results in a copy number gain of the genomic region encompassing exons 2-6 of the BCOR gene, which includes the initiator codon. The 5' end of this event is unknown as it extends beyond the assayed region for this gene and therefore may encompass additional genes. The 3' boundary is likely confined to intron 6 of the BCOR gene. As the precise location of this event is unknown, it may be in tandem or it may be located elsewhere in the genome.